The following is an entry in ClinVar:

ClinVar aggregate classification (germline): Uncertain significance (1 of 4 stars; one submission).

Submission:

Labcorp Genetics (formerly Invitae), Labcorp
Classification: Uncertain significance. Last evaluated: 2023-11-27. Review status: criteria provided, single submitter. Criteria: Invitae Variant Classification Sherloc (09022015). Collection method: clinical testing. Allele origin: germline.
Comment: This variant is a gross deletion of the genomic region encompassing exon(s) 10-11 of the NUBPL gene, which includes the termination codon. This deletion extends beyond the assayed region for this gene and therefore may encompass additional genes. While this deletion is not anticipated to lead to nonsense mediated decay, it is expected to alter mRNA translation or result in a truncated protein product. This variant has not been reported in the literature in individuals affected with NUBPL-related conditions. Experimental studies and prediction algorithms are not available or were not evaluated, and the functional significance of this variant is currently unknown. In summary, the available evidence is currently insufficient to determine the role of this variant in disease. Therefore, it has been classified as a Variant of Uncertain Significance.

NC_000014.8:g.(?_32319298)_(32328386_?)del

Gene: NUBPL (NUBP iron-sulfur cluster assembly factor, mitochondrial; plus strand). Cytogenetic location: 14q12.
Variant type: Deletion.
Identifiers: ClinVar variation 2426928 (VCV002426928.4).